The following is an entry in ClinVar:

ClinVar aggregate classification (germline): Uncertain significance (1 of 4 stars; one submission).

Conditions:
KMT2D-related disorder. Also called: KMT2D-Related Disorders.

Submission:

PreventionGenetics, part of Exact Sciences
Classification: Uncertain significance for KMT2D-related condition. Last evaluated: 2025-03-03. Review status: criteria provided, single submitter. Criteria: ACMG Guidelines, 2015. Collection method: clinical testing. Allele origin: germline.
Comment: The KMT2D c.8954A>C variant is predicted to result in the amino acid substitution p.Lys2985Thr. To our knowledge, this variant has not been reported in the literature or in a large population database (gnomAD), indicating it is rare. At this time, the clinical significance of this variant is uncertain due to the absence of conclusive functional and genetic evidence.

NM_003482.4(KMT2D):c.8954A>C (p.Lys2985Thr)

Gene: KMT2D (lysine methyltransferase 2D; minus strand). Cytogenetic location: 12q13.12.
Variant type: single nucleotide variant.
Coding change: c.8954A>C on transcript NM_003482.4 (MANE Select); coding-DNA position 8954, A replaced by C.
Protein change: p.Lys2985Thr; replaces lysine 2985 with threonine.
Molecular consequence: missense variant.
Genome position (GRCh38, 1-based): chr12:49,038,402, T>G on the plus strand (A>C on the coding strand, the complement: KMT2D is on the minus strand). VCF-style: chr12-49038402-T-G. GRCh37 (hg19) VCF-style: chr12-49432185-T-G.
Other names: short protein forms K2985T.
Identifiers: ClinVar variation 4980412 (VCV004980412.1).